The following is an entry in ClinVar:

NM_018297.4(NGLY1):c.173A>G (p.Asn58Ser)

Gene: NGLY1 (N-glycanase 1; minus strand). Cytogenetic location: 3p24.2.
Variant type: single nucleotide variant.
Coding change: c.173A>G on transcript NM_018297.4 (MANE Select); coding-DNA position 173, A replaced by G.
Protein change: p.Asn58Ser; replaces asparagine 58 with serine.
Molecular consequence: missense variant.
Genome position (GRCh38, 1-based): chr3:25,778,647, T>C on the plus strand (A>G on the coding strand, the complement: NGLY1 is on the minus strand). VCF-style: chr3-25778647-T-C. GRCh37 (hg19) VCF-style: chr3-25820138-T-C.
Other names: c.173A>G, p.Asn58Ser (NM_001145293.2, NM_001145295.2); c.47A>G, p.Asn16Ser (NM_001145294.2); short protein forms N58S, N16S.
Identifiers: ClinVar variation 1942328 (VCV001942328.2), dbSNP rs372486759, ClinGen allele CA2289554.

ClinVar aggregate classification (germline): Uncertain significance (1 of 4 stars; one submission).

Conditions:
Congenital disorder of deglycosylation (CDDG). Identifiers: MedGen C3808991, MONDO:0031376.

Allele frequency attached by ClinVar (database versions not stated): ExAC 0.00001; gnomAD 0.00001; gnomAD exomes 0.00001; TOPMed 0.00002; ESP Exome Variant Server 0.00008.
gnomAD v4.1: 22 of 1,612,926 alleles (0.0014%); highest among the groups gnomAD compares: Non-Finnish European, 0.00034%; no homozygotes.

Submission:

Labcorp Genetics (formerly Invitae), Labcorp
Classification: Uncertain significance for Congenital disorder of deglycosylation. Last evaluated: 2021-12-31. Review status: criteria provided, single submitter. Criteria: Invitae Variant Classification Sherloc (09022015). Collection method: clinical testing. Allele origin: germline.
Comment: This sequence change replaces asparagine, which is neutral and polar, with serine, which is neutral and polar, at codon 58 of the NGLY1 protein (p.Asn58Ser). This variant is present in population databases (rs372486759, gnomAD 0.06%). This variant has not been reported in the literature in individuals affected with NGLY1-related conditions. Algorithms developed to predict the effect of missense changes on protein structure and function are either unavailable or do not agree on the potential impact of this missense change (SIFT: "Deleterious"; PolyPhen-2: "Probably Damaging"; Align-GVGD: "Class C0"). In summary, the available evidence is currently insufficient to determine the role of this variant in disease. Therefore, it has been classified as a Variant of Uncertain Significance.